The following is an entry in ClinVar:

ClinVar aggregate classification (germline): Uncertain significance (1 of 4 stars; one submission).

Conditions:
Adult-onset proximal spinal muscular atrophy, autosomal dominant. Also called: FINKEL LATE-ADULT TYPE SMA; Spinal muscular atrophy, late-onset, finkel type. Identifiers: Orphanet 209335, MedGen C1854058, MONDO:0008453, OMIM 182980.
Amyotrophic lateral sclerosis type 8 (ALS8). Identifiers: Orphanet 803, MedGen C1837728, MONDO:0012077, OMIM 608627.

Submission:

Labcorp Genetics (formerly Invitae), Labcorp
Classification: Uncertain significance for Adult-onset proximal spinal muscular atrophy, autosomal dominant; Amyotrophic lateral sclerosis type 8. Last evaluated: 2024-05-16. Review status: criteria provided, single submitter. Criteria: Invitae Variant Classification Sherloc (09022015). Collection method: clinical testing. Allele origin: germline.
Comment: This sequence change affects an acceptor splice site in intron 2 of the VAPB gene. It is expected to disrupt RNA splicing. Variants that disrupt the donor or acceptor splice site typically lead to a loss of protein function (PMID: 16199547), however the current clinical and genetic evidence is not sufficient to establish whether loss-of-function variants in VAPB cause disease. This variant is not present in population databases (gnomAD no frequency). This variant has not been reported in the literature in individuals affected with VAPB-related conditions. Algorithms developed to predict the effect of sequence changes on RNA splicing suggest that this variant may disrupt the consensus splice site. In summary, the available evidence is currently insufficient to determine the role of this variant in disease. Therefore, it has been classified as a Variant of Uncertain Significance.

Literature cited by the submitters: PubMed 16199547.

NM_004738.5(VAPB):c.212-1G>C

Gene: VAPB (VAMP associated protein B and C; plus strand). Cytogenetic location: 20q13.32.
Variant type: single nucleotide variant.
Coding change: c.212-1G>C on transcript NM_004738.5 (MANE Select); the canonical splice acceptor site of the intron before coding-DNA position 212, G replaced by C.
Molecular consequence: splice acceptor variant. On other transcripts: intron variant (1).
Genome position (GRCh38, 1-based): chr20:58,434,601, G>C. VCF-style: chr20-58434601-G-C. GRCh37 (hg19) VCF-style: chr20-57009657-G-C.
Other names: c.212-9476G>C (NM_001195677.2).
Identifiers: ClinVar variation 3756384 (VCV003756384.2).